The following is an entry in ClinVar:

ClinVar aggregate classification (germline): Benign/Likely benign. Review status: criteria provided, multiple submitters, no conflicts (2 of 4 stars). 4 submissions from 4 submitters: Benign (1); Likely benign (2). 1 of the submissions does not count toward it. Last evaluated 2026-07-13.

Conditions:
SMARCA4-related disorder. Also called: SMARCA4-related condition.
Hereditary cancer-predisposing syndrome. Also called: Hereditary neoplastic syndrome; Neoplastic Syndromes, Hereditary; Tumor predisposition; Hereditary Cancer Syndrome. Identifiers: Orphanet 140162, MedGen C0027672, MeSH D009386, MONDO:0015356.
Rhabdoid tumor predisposition syndrome 2 (RTPS2). Identifiers: Orphanet 231108, Orphanet 69077, MedGen C2750074, MONDO:0013224, OMIM 613325.

Submissions (4):

Myriad Genetics, Inc.
Classification: Benign for Rhabdoid tumor predisposition syndrome 2. Last evaluated: 2026-07-13. Review status: criteria provided, single submitter. Criteria: Myriad Autosomal Dominant, Autosomal Recessive and X-Linked Classification Criteria (2023). Collection method: clinical testing. Allele origin: unknown.
Comment: This variant is considered benign. This variant is a silent/synonymous amino acid change and it is not expected to impact splicing.

Labcorp Genetics (formerly Invitae), Labcorp
Classification: Likely benign for Rhabdoid tumor predisposition syndrome 2. Last evaluated: 2025-01-06. Review status: criteria provided, single submitter. Criteria: Invitae Variant Classification Sherloc (09022015). Collection method: clinical testing. Allele origin: germline.

Ambry Genetics
Classification: Likely benign for Hereditary cancer-predisposing syndrome. Last evaluated: 2023-07-08. Review status: criteria provided, single submitter. Criteria: Ambry Variant Classification Scheme 2023. Collection method: clinical testing. Allele origin: germline.

PreventionGenetics, part of Exact Sciences
Classification: Likely benign for SMARCA4-related condition. Last evaluated: 2024-08-07. Review status: no assertion criteria provided. Collection method: clinical testing. Allele origin: germline. Not counted in ClinVar's aggregate classification.
Comment: This variant is classified as likely benign based on ACMG/AMP sequence variant interpretation guidelines (Richards et al. 2015 PMID: 25741868, with internal and published modifications).

NM_003072.5(SMARCA4):c.2709A>G (p.Ala903=)

Gene: SMARCA4 (SWI/SNF related BAF chromatin remodeling complex subunit ATPase 4; plus strand). Cytogenetic location: 19p13.2.
Variant type: single nucleotide variant.
Coding change: c.2709A>G on transcript NM_003072.5 (MANE Select); coding-DNA position 2709, A replaced by G.
Protein change: p.Ala903=; no amino-acid change (alanine 903 retained).
Molecular consequence: synonymous variant. On other transcripts: non-coding transcript variant (1).
Genome position (GRCh38, 1-based): chr19:11,021,817, A>G. VCF-style: chr19-11021817-A-G. GRCh37 (hg19) VCF-style: chr19-11132493-A-G.
Other names: c.2709A>G, p.Ala903= (NM_001128844.3, NM_001128845.2, NM_001128846.2 and 4 more transcripts).
Identifiers: ClinVar variation 729393 (VCV000729393.14), dbSNP rs1600278331, ClinGen allele CA505743563.
Genomic context (GRCh38, chr19:11,021,817, plus strand): 5'-TCACCGCATGAAGAACCACCACTGCAAGCTGACGCAGGTGCTCAACACGCACTATGTGGC[A>G]CCCCGCCGCCTGCTGCTGACGGGCACACCGCTGCAGAACAAGCTTCCCGAGCTCTGGGCG-3'
Protein context (NP_003063.2, residues 893-913): LTQVLNTHYV[Ala903=]PRRLLLTGTP